The following is an entry in ClinVar:

ClinVar aggregate classification (germline): Uncertain significance (1 of 4 stars; one submission).

Submission:

GeneDx
Classification: Uncertain significance. Last evaluated: 2022-01-24. Review status: criteria provided, single submitter. Criteria: GeneDx Variant Classification Process June 2021. Collection method: clinical testing. Allele origin: germline. Affected: yes.
Comment: Has not been previously published as pathogenic or benign to our knowledge; Not observed at significant frequency in large population cohorts (gnomAD); In silico analysis supports that this missense variant has a deleterious effect on protein structure/function

NM_033118.4(MYLK2):c.1408G>C (p.Val470Leu)

Gene: MYLK2 (myosin light chain kinase 2; plus strand). Cytogenetic location: 20q11.21.
Variant type: single nucleotide variant.
Coding change: c.1408G>C on transcript NM_033118.4 (MANE Select); coding-DNA position 1408, G replaced by C.
Protein change: p.Val470Leu; replaces valine 470 with leucine.
Molecular consequence: missense variant.
Genome position (GRCh38, 1-based): chr20:31,831,125, G>C. VCF-style: chr20-31831125-G-C. GRCh37 (hg19) VCF-style: chr20-30418928-G-C.
Other names: short protein forms V470L.
Identifiers: ClinVar variation 1698281 (VCV001698281.2), dbSNP rs2123140021, ClinGen allele CA408527827.
Genomic context (GRCh38, chr20:31,831,125, plus strand): 5'-TCACCTGAGGTGGTGAATTATGACCAAATCTCCGATAAGACAGACATGTGGAGTATGGGG[G>C]TGATCACCTACATGCTGTGAGCTCCCAGGCGGGTCGTGTTTATGGGGTTGGTGGGGCATG-3'
Protein context (NP_149109.1, residues 460-480): SDKTDMWSMG[Val470Leu]ITYMLLSGLS